The following is an entry in ClinVar:

ClinVar aggregate classification (germline): Uncertain significance (1 of 4 stars; one submission).

Conditions:
Fanconi anemia complementation group O. Also called: RAD51C-Related Fanconi Anemia. Identifiers: Orphanet 84, MedGen C3150653, MONDO:0013248, OMIM 613390.

Submission:

Labcorp Genetics (formerly Invitae), Labcorp
Classification: Uncertain significance for Fanconi anemia complementation group O. Last evaluated: 2023-07-10. Review status: criteria provided, single submitter. Criteria: Invitae Variant Classification Sherloc (09022015). Collection method: clinical testing. Allele origin: germline.
Comment: In summary, the available evidence is currently insufficient to determine the role of this variant in disease. Therefore, it has been classified as a Variant of Uncertain Significance. Variants that disrupt the consensus splice site are a relatively common cause of aberrant splicing (PMID: 17576681, 9536098). Algorithms developed to predict the effect of sequence changes on RNA splicing suggest that this variant may disrupt the consensus splice site. ClinVar contains an entry for this variant (Variation ID: 568192). This variant has been observed in individual(s) with breast and ovarian cancer (PMID: 22538716). This variant is not present in population databases (gnomAD no frequency). This sequence change falls in intron 5 of the RAD51C gene. It does not directly change the encoded amino acid sequence of the RAD51C protein. It affects a nucleotide within the consensus splice site.

Literature cited by the submitters: PubMed 17576681; PubMed 9536098; PubMed 22538716.

NM_058216.3(RAD51C):c.837+5G>C

Gene: RAD51C (RAD51 paralog C; plus strand). Cytogenetic location: 17q22.
Variant type: single nucleotide variant.
Coding change: c.837+5G>C on transcript NM_058216.3 (MANE Select); 5 bases into the intron after coding-DNA position 837, G replaced by C.
Molecular consequence: intron variant.
Genome position (GRCh38, 1-based): chr17:58,709,995, G>C. VCF-style: chr17-58709995-G-C. GRCh37 (hg19) VCF-style: chr17-56787356-G-C.
Identifiers: ClinVar variation 568192 (VCV000568192.8), dbSNP rs1567799952, ClinGen allele CA891844049.